The following is an entry in ClinVar:

ClinVar aggregate classification (germline): Uncertain significance (1 of 4 stars; one submission).

Submission:

Labcorp Genetics (formerly Invitae), Labcorp
Classification: Uncertain significance. Last evaluated: 2023-12-04. Review status: criteria provided, single submitter. Criteria: Invitae Variant Classification Sherloc (09022015). Collection method: clinical testing. Allele origin: germline.
Comment: This sequence change replaces valine, which is neutral and non-polar, with methionine, which is neutral and non-polar, at codon 477 of the C1S protein (p.Val477Met). This variant is not present in population databases (gnomAD no frequency). This variant has not been reported in the literature in individuals affected with C1S-related conditions. Advanced modeling of protein sequence and biophysical properties (such as structural, functional, and spatial information, amino acid conservation, physicochemical variation, residue mobility, and thermodynamic stability) performed at Invitae indicates that this missense variant is expected to disrupt C1S protein function with a positive predictive value of 80%. In summary, the available evidence is currently insufficient to determine the role of this variant in disease. Therefore, it has been classified as a Variant of Uncertain Significance.

NM_001734.5(C1S):c.1429G>A (p.Val477Met)

Gene: C1S (complement C1s; plus strand). Cytogenetic location: 12p13.31.
Variant type: single nucleotide variant.
Coding change: c.1429G>A on transcript NM_001734.5 (MANE Select); coding-DNA position 1429, G replaced by A.
Protein change: p.Val477Met; replaces valine 477 with methionine.
Molecular consequence: missense variant.
Genome position (GRCh38, 1-based): chr12:7,070,013, G>A. VCF-style: chr12-7070013-G-A. GRCh37 (hg19) VCF-style: chr12-7177317-G-A.
Other names: c.928G>A, p.Val310Met (NM_001346850.2); c.1429G>A, p.Val477Met (NM_201442.4); short protein forms V477M, V310M.
Identifiers: ClinVar variation 2789525 (VCV002789525.3), dbSNP rs2539607298, ClinGen allele CA383704364.